The following is an entry in ClinVar:

ClinVar aggregate classification (germline): Likely pathogenic (1 of 4 stars; one submission).

Submission:

CeGaT Center for Human Genetics Tuebingen
Classification: Likely pathogenic. Last evaluated: 2026-09-01. Review status: criteria provided, single submitter. Criteria: CeGaT Center For Human Genetics Tuebingen Variant Classification Criteria Version 2. Collection method: clinical testing. Allele origin: germline. Affected: yes. Observed: 4 variant alleles.
Comment: SPAST: PM1, PM2, PM5, PS4:Moderate, PP2

NM_014946.4(SPAST):c.1148C>A (p.Pro383Gln)

Gene: SPAST (spastin; plus strand). Cytogenetic location: 2p22.3.
Variant type: single nucleotide variant.
Coding change: c.1148C>A on transcript NM_014946.4 (MANE Select); coding-DNA position 1148, C replaced by A.
Protein change: p.Pro383Gln; replaces proline 383 with glutamine.
Molecular consequence: missense variant.
Genome position (GRCh38, 1-based): chr2:32,126,997, C>A. VCF-style: chr2-32126997-C-A. GRCh37 (hg19) VCF-style: chr2-32352066-C-A.
Other names: c.1145C>A, p.Pro382Gln (NM_001363823.2); c.1049C>A, p.Pro350Gln (NM_001363875.2); c.1052C>A, p.Pro351Gln (NM_001377959.1, NM_199436.2); short protein forms P350Q, P351Q, P382Q, P383Q.
Identifiers: ClinVar variation 1675775 (VCV001675775.33), dbSNP rs2148745001, ClinGen allele CA346501295.